The following is an entry in ClinVar:

NM_022575.4(VPS16):c.2119G>A (p.Gly707Ser)

Genes: PTPRA (protein tyrosine phosphatase receptor type A; plus strand), VPS16 (VPS16 core subunit of CORVET and HOPS complexes; plus strand). Cytogenetic location: 20p13.
Variant type: single nucleotide variant.
Coding change: c.2119G>A on transcript NM_022575.4 (MANE Select); coding-DNA position 2119, G replaced by A.
Protein change: p.Gly707Ser; replaces glycine 707 with serine.
Molecular consequence: missense variant. On other transcripts: 5 prime UTR variant (1).
Genome position (GRCh38, 1-based): chr20:2,865,262, G>A. VCF-style: chr20-2865262-G-A. GRCh37 (hg19) VCF-style: chr20-2845908-G-A.
Other names: c.-184G>A (NM_002836.4); c.1687G>A, p.Gly563Ser (NM_080413.3); short protein forms G563S, G707S.
Identifiers: ClinVar variation 3388549 (VCV003388549.15).

ClinVar aggregate classification (germline): Uncertain significance. Review status: criteria provided, multiple submitters, no conflicts (2 of 4 stars). 2 submissions from 2 submitters: Uncertain significance (2). Last evaluated 2024-10-01.

Conditions:
Inborn genetic diseases. Identifiers: MedGen C0950123, MeSH D030342.

gnomAD v4.1: 13 of 1,614,110 alleles (0.00081%); highest among the groups gnomAD compares: Middle Eastern, 0.016%; no homozygotes.

Submissions (2):

CeGaT Center for Human Genetics Tuebingen
Classification: Uncertain significance. Last evaluated: 2024-10-01. Review status: criteria provided, single submitter. Criteria: CeGaT Center For Human Genetics Tuebingen Variant Classification Criteria Version 2. Collection method: clinical testing. Allele origin: germline. Affected: yes. Observed: 1 variant allele.
Comment: VPS16: PM2, BP4

Ambry Genetics
Classification: Uncertain significance for Inborn genetic diseases. Last evaluated: 2024-08-05. Review status: criteria provided, single submitter. Criteria: Ambry Variant Classification Scheme 2023. Collection method: clinical testing. Allele origin: germline.